The following is an entry in ClinVar:

ClinVar aggregate classification (germline): Likely pathogenic (1 of 4 stars; one submission).

Conditions:
SMCHD1-related disorder. Also called: SMCHD1-related condition.

Submission:

PreventionGenetics, part of Exact Sciences
Classification: Likely pathogenic for SMCHD1-related condition. Last evaluated: 2026-04-27. Review status: criteria provided, single submitter. Criteria: ACMG Guidelines, 2015. Collection method: clinical testing. Allele origin: germline.
Comment: The SMCHD1 c.5314C>T variant is predicted to result in premature protein termination (p.Gln1772*). To our knowledge, this variant has not been reported in the literature or in a large population database (gnomAD), indicating this variant is rare. Nonsense variants in SMCHD1 are expected to be pathogenic. This variant is interpreted as likely pathogenic.

NM_015295.3(SMCHD1):c.5314C>T (p.Gln1772Ter)

Gene: SMCHD1 (structural maintenance of chromosomes flexible hinge domain containing 1; plus strand). Cytogenetic location: 18p11.32.
Variant type: single nucleotide variant.
Coding change: c.5314C>T on transcript NM_015295.3 (MANE Select); coding-DNA position 5314, C replaced by T.
Protein change: p.Gln1772Ter; replaces glutamine 1772 with a stop codon.
Molecular consequence: nonsense.
Genome position (GRCh38, 1-based): chr18:2,775,872, C>T. VCF-style: chr18-2775872-C-T. GRCh37 (hg19) VCF-style: chr18-2775870-C-T.
Other names: short protein forms Q1772*.
Identifiers: ClinVar variation 4982931 (VCV004982931.1).